The following is an entry in ClinVar:

NM_198428.3(BBS9):c.2632+9C>A

Gene: BBS9 (Bardet-Biedl syndrome 9; plus strand). Cytogenetic location: 7p14.3.
Variant type: single nucleotide variant.
Coding change: c.2632+9C>A on transcript NM_198428.3 (MANE Select); 9 bases into the intron after coding-DNA position 2632, C replaced by A.
Molecular consequence: intron variant.
Genome position (GRCh38, 1-based): chr7:33,604,984, C>A. VCF-style: chr7-33604984-C-A. GRCh37 (hg19) VCF-style: chr7-33644596-C-A.
Other names: p.?; c.2632+9C>A (NM_001348036.1, NM_001348041.4, NM_001348043.3); c.2522-30193C>A (NM_001362679.1); c.2359+9C>A (NM_001348038.3); c.2254+9C>A (NM_001348039.3); c.2617+9C>A (NM_001033605.2); c.2527+9C>A (NM_001033604.2); c.2512+9C>A (NM_014451.4, NM_001348040.3); and 4 more.
Identifiers: ClinVar variation 263127 (VCV000263127.24), dbSNP rs148654647, ClinGen allele CA4214748.

ClinVar aggregate classification (germline): Benign/Likely benign. Review status: criteria provided, multiple submitters, no conflicts (2 of 4 stars). 9 submissions from 9 submitters: Benign (2); Likely benign (4). 3 of the submissions do not count toward it. Last evaluated 2026-01-26.

Conditions:
BBS9-related disorder. Also called: BBS9-related condition.
Bardet-Biedl syndrome (BBS). Identifiers: Orphanet 110, MedGen C0752166, MONDO:0015229.
Bardet-Biedl syndrome 1 (BBS1). Identifiers: MedGen C2936862, MONDO:0008854, OMIM 209900. Disease mechanism: loss of function.
Bardet-Biedl syndrome 9 (BBS9). Identifiers: Orphanet 110, MedGen C1859567, MONDO:0014437, OMIM 615986.

Allele frequency attached by ClinVar (database versions not stated): gnomAD exomes 0.00063; ExAC 0.00077; 1000 Genomes Project 0.00180; 1000 Genomes Project 30x 0.00187; gnomAD 0.00223 and 0.00242; TOPMed 0.00237; ESP Exome Variant Server 0.00292.
gnomAD v4.1: 642 of 1,592,062 alleles (0.04%); highest among the groups gnomAD compares: African/African-American, 0.78%; 3 homozygotes.

Submissions (9):

Labcorp Genetics (formerly Invitae), Labcorp
Classification: Benign for Bardet-Biedl syndrome. Last evaluated: 2026-01-26. Review status: criteria provided, single submitter. Criteria: Invitae Variant Classification Sherloc (09022015). Collection method: clinical testing. Allele origin: germline.

Mayo Clinic Laboratories, Mayo Clinic
Classification: Likely benign. Last evaluated: 2025-09-24. Review status: criteria provided, single submitter. Criteria: ACMG Guidelines, 2015. Collection method: clinical testing. Allele origin: germline. Observed: 1 variant allele.
Comment: BS1, BP7

Blueprint Genetics
Classification: Likely benign. Last evaluated: 2024-09-11. Review status: criteria provided, single submitter. Criteria: ACMG Guidelines, 2015. Collection method: clinical testing. Allele origin: germline.

Fulgent Genetics
Classification: Likely benign for Bardet-Biedl syndrome 9. Last evaluated: 2021-07-29. Review status: criteria provided, single submitter. Criteria: ACMG Guidelines, 2015. Collection method: clinical testing. Allele origin: unknown.

Genetic Services Laboratory, University of Chicago
Classification: Likely benign. Last evaluated: 2019-08-26. Review status: criteria provided, single submitter. Criteria: ACMG Guidelines, 2015. Collection method: clinical testing. Allele origin: germline. Affected: no.

Genome Diagnostics Laboratory, University Medical Center Utrecht
Classification: Benign for Bardet-Biedl syndrome 1. Last evaluated: 2014-12-15. Review status: criteria provided, single submitter. Criteria: ACGS Guidelines, 2013. Collection method: clinical testing. Allele origin: germline. Affected: yes. Study: VKGL Data-share Consensus.

PreventionGenetics, part of Exact Sciences
Classification: Benign for BBS9-related condition. Last evaluated: 2019-10-04. Review status: no assertion criteria provided. Collection method: clinical testing. Allele origin: germline. Not counted in ClinVar's aggregate classification.
Comment: This variant is classified as benign based on ACMG/AMP sequence variant interpretation guidelines (Richards et al. 2015 PMID: 25741868, with internal and published modifications).

Genome Diagnostics Laboratory, Amsterdam University Medical Center
Classification: Likely benign for Bardet-Biedl syndrome 1. Last evaluated: 2017-04-19. Review status: no assertion criteria provided. Criteria: ACGS Guidelines, 2013. Collection method: clinical testing. Allele origin: germline. Affected: yes. Study: VKGL Data-share Consensus. Not counted in ClinVar's aggregate classification.

Clinical Genetics DNA and cytogenetics Diagnostics Lab, Erasmus MC, Erasmus Medical Center
Classification: Likely benign. Review status: no assertion criteria provided. Collection method: clinical testing. Allele origin: germline. Affected: yes. Study: VKGL Data-share Consensus. Not counted in ClinVar's aggregate classification.